The following is an entry in ClinVar:

ClinVar aggregate classification (germline): Uncertain significance. Review status: criteria provided, multiple submitters, no conflicts (2 of 4 stars). 2 submissions from 2 submitters: Uncertain significance (2). Last evaluated 2025-07-07.

Conditions:
Imerslund-Grasbeck syndrome. Also called: ENTEROCYTE COBALAMIN MALABSORPTION; ENTEROCYTE INTRINSIC FACTOR RECEPTOR, DEFECT OF; PERNICIOUS ANEMIA, JUVENILE, DUE TO SELECTIVE INTESTINAL MALABSORPTION OF VITAMIN B12, WITH PROTEINURIA; Megaloblastic anemia due to inborn errors of metabolism; Imerslund-Gräsbeck syndrome. Identifiers: Orphanet 35858, MedGen C4551825, MONDO:0009853.
Inborn genetic diseases. Identifiers: MedGen C0950123, MeSH D030342.

Allele frequency attached by ClinVar (database versions not stated): gnomAD exomes below 0.00001; ExAC 0.00001; gnomAD 0.00003.
gnomAD v4.1: 7 of 1,614,110 alleles (0.00043%); highest among the groups gnomAD compares: African/African-American, 0.008%; no homozygotes.

Submissions (2):

Labcorp Genetics (formerly Invitae), Labcorp
Classification: Uncertain significance for Imerslund-Grasbeck syndrome. Last evaluated: 2025-07-07. Review status: criteria provided, single submitter. Criteria: Invitae Variant Classification Sherloc (09022015). Collection method: clinical testing. Allele origin: germline.
Comment: This sequence change replaces alanine, which is neutral and non-polar, with threonine, which is neutral and polar, at codon 3208 of the CUBN protein (p.Ala3208Thr). This variant is not present in population databases (gnomAD no frequency). This variant has not been reported in the literature in individuals affected with CUBN-related conditions. ClinVar contains an entry for this variant (Variation ID: 1908873). Invitae Evidence Modeling of protein sequence and biophysical properties (such as structural, functional, and spatial information, amino acid conservation, physicochemical variation, residue mobility, and thermodynamic stability) indicates that this missense variant is not expected to disrupt CUBN protein function with a negative predictive value of 80%. In summary, the available evidence is currently insufficient to determine the role of this variant in disease. Therefore, it has been classified as a Variant of Uncertain Significance.

Ambry Genetics
Classification: Uncertain significance for Inborn genetic diseases. Last evaluated: 2024-01-03. Review status: criteria provided, single submitter. Criteria: Ambry Variant Classification Scheme 2023. Collection method: clinical testing. Allele origin: germline.

NM_001081.4(CUBN):c.9622G>A (p.Ala3208Thr)

Gene: CUBN (cubilin; minus strand). Cytogenetic location: 10p13.
Variant type: single nucleotide variant.
Coding change: c.9622G>A on transcript NM_001081.4 (MANE Select); coding-DNA position 9622, G replaced by A.
Protein change: p.Ala3208Thr; replaces alanine 3208 with threonine.
Molecular consequence: missense variant.
Genome position (GRCh38, 1-based): chr10:16,851,276, C>T on the plus strand (G>A on the coding strand, the complement: CUBN is on the minus strand). VCF-style: chr10-16851276-C-T. GRCh37 (hg19) VCF-style: chr10-16893275-C-T.
Other names: short protein forms A3208T.
Identifiers: ClinVar variation 1908873 (VCV001908873.6), dbSNP rs368814448, ClinGen allele CA5422655.